The following is an entry in ClinVar:

NM_006005.3(WFS1):c.1211C>T (p.Pro404Leu)

Gene: WFS1 (wolframin ER transmembrane glycoprotein; plus strand). Cytogenetic location: 4p16.1.
Variant type: single nucleotide variant.
Coding change: c.1211C>T on transcript NM_006005.3 (MANE Select); coding-DNA position 1211, C replaced by T.
Protein change: p.Pro404Leu; replaces proline 404 with leucine.
Molecular consequence: missense variant.
Genome position (GRCh38, 1-based): chr4:6,301,006, C>T. VCF-style: chr4-6301006-C-T. GRCh37 (hg19) VCF-style: chr4-6302733-C-T.
Other names: c.1211C>T, p.Pro404Leu (NM_001145853.1); short protein forms P404L.
Identifiers: ClinVar variation 1378120 (VCV001378120.9), dbSNP rs935411471, ClinGen allele CA91796235.

ClinVar aggregate classification (germline): Uncertain significance. Review status: criteria provided, multiple submitters, no conflicts (2 of 4 stars). 4 submissions from 4 submitters: Uncertain significance (4). Last evaluated 2026-04-03.

Conditions:
Cataract 41 (CTRCT41). Also called: CATARACT 41, CONGENITAL NUCLEAR TYPE. Identifiers: Orphanet 91492, Orphanet 98991, Orphanet 98992, Orphanet 98995, MedGen C3805412, MONDO:0007287, OMIM 116400.
Autosomal dominant nonsyndromic hearing loss 6 (LFSNHL). Also called: DEAFNESS, AUTOSOMAL DOMINANT 6; DEAFNESS, AUTOSOMAL DOMINANT 14; DEAFNESS, AUTOSOMAL DOMINANT 38; Autosomal dominant nonsyndromic deafness 6. Identifiers: Orphanet 90635, MedGen C1833021, MONDO:0010963, OMIM 600965.
Type 2 diabetes mellitus. Also called: Type II diabetes mellitus. Identifiers: MedGen C0011860, MeSH D003924, MONDO:0005148, OMIM 125853, HP:0005978.
Wolfram syndrome 1 (WFS1). Identifiers: Orphanet 3463, MedGen C4551693, MONDO:0009101, OMIM 222300.
Wolfram-like syndrome. Also called: HEARING LOSS, PROGRESSIVE, WITH OPTIC ATROPHY AND/OR IMPAIRED GLUCOSE REGULATION. Identifiers: Orphanet 411590, MedGen C3280358, MONDO:0013673, OMIM 614296.

Allele frequency attached by ClinVar (database versions not stated): gnomAD exomes 0.00001; gnomAD 0.00001.

Submissions (4):

GeneDx
Classification: Uncertain significance. Last evaluated: 2026-04-03. Review status: criteria provided, single submitter. Criteria: GeneDx Variant Classification Process June 2021. Collection method: clinical testing. Allele origin: germline.
Comment: Not observed at significant frequency in large population cohorts (gnomAD); In silico analysis supports that this missense variant has a deleterious effect on protein structure/function; Has not been previously published as pathogenic or benign to our knowledge

Labcorp Genetics (formerly Invitae), Labcorp
Classification: Uncertain significance. Last evaluated: 2024-11-16. Review status: criteria provided, single submitter. Criteria: Invitae Variant Classification Sherloc (09022015). Collection method: clinical testing. Allele origin: germline.
Comment: This sequence change replaces proline, which is neutral and non-polar, with leucine, which is neutral and non-polar, at codon 404 of the WFS1 protein (p.Pro404Leu). This variant is present in population databases (no rsID available, gnomAD 0.002%). This variant has not been reported in the literature in individuals affected with WFS1-related conditions. ClinVar contains an entry for this variant (Variation ID: 1378120). Invitae Evidence Modeling of protein sequence and biophysical properties (such as structural, functional, and spatial information, amino acid conservation, physicochemical variation, residue mobility, and thermodynamic stability) indicates that this missense variant is expected to disrupt WFS1 protein function with a positive predictive value of 95%. In summary, the available evidence is currently insufficient to determine the role of this variant in disease. Therefore, it has been classified as a Variant of Uncertain Significance.

Fulgent Genetics
Classification: Uncertain significance for Cataract 41; Type 2 diabetes mellitus; Wolfram syndrome 1; Autosomal dominant nonsyndromic hearing loss 6; Wolfram-like syndrome. Last evaluated: 2022-03-09. Review status: criteria provided, single submitter. Criteria: ACMG Guidelines, 2015. Collection method: clinical testing. Allele origin: unknown.

Blueprint Genetics
Classification: Uncertain significance. Last evaluated: 2022-01-27. Review status: criteria provided, single submitter. Criteria: ACMG Guidelines, 2015. Collection method: clinical testing. Allele origin: germline.